The following is an entry in ClinVar:

NM_177438.3(DICER1):c.2122C>T (p.Leu708=)

Gene: DICER1 (dicer 1, ribonuclease III; minus strand). Cytogenetic location: 14q32.13.
Variant type: single nucleotide variant.
Coding change: c.2122C>T on transcript NM_177438.3 (MANE Select); coding-DNA position 2122, C replaced by T.
Protein change: p.Leu708=; no amino-acid change (leucine 708 retained).
Molecular consequence: synonymous variant. On other transcripts: non-coding transcript variant (6).
Genome position (GRCh38, 1-based): chr14:95,111,451, G>A on the plus strand (C>T on the coding strand, the complement: DICER1 is on the minus strand). VCF-style: chr14-95111451-G-A. GRCh37 (hg19) VCF-style: chr14-95577788-G-A.
Other names: c.2122C>T, p.Leu708= (NM_001195573.1, NM_001271282.3, NM_001291628.2 and 13 more transcripts); c.1840C>T, p.Leu614= (NM_001395686.1); c.1717C>T, p.Leu573= (NM_001395687.1, NM_001395688.1, NM_001395689.1 and 3 more transcripts); c.1555C>T, p.Leu519= (NM_001395691.1); c.439C>T, p.Leu147= (NM_001395697.1).
Identifiers: ClinVar variation 1786264 (VCV001786264.8), dbSNP rs1891952608, ClinGen allele CA487628756.

ClinVar aggregate classification (germline): Benign/Likely benign. Review status: criteria provided, multiple submitters, no conflicts (2 of 4 stars). 3 submissions from 3 submitters: Benign (1); Likely benign (2). Last evaluated 2026-08-18.

Conditions:
DICER1-related tumor predisposition. Also called: DICER1-related pleuropulmonary blastoma cancer predisposition syndrome; DICER1 syndrome. Identifiers: Orphanet 284343, MedGen C3839822, MONDO:0100216.
Hereditary cancer-predisposing syndrome. Also called: Hereditary neoplastic syndrome; Neoplastic Syndromes, Hereditary; Tumor predisposition; Hereditary Cancer Syndrome. Identifiers: Orphanet 140162, MedGen C0027672, MeSH D009386, MONDO:0015356.

Allele frequency attached by ClinVar (database versions not stated): gnomAD exomes below 0.00001.

Submissions (3):

Myriad Genetics, Inc.
Classification: Benign for DICER1-related tumor predisposition. Last evaluated: 2026-08-18. Review status: criteria provided, single submitter. Criteria: Myriad Autosomal Dominant, Autosomal Recessive and X-Linked Classification Criteria (2023). Collection method: clinical testing. Allele origin: unknown.
Comment: This variant is considered benign. This variant is a silent/synonymous amino acid change and it is not expected to impact splicing.

Labcorp Genetics (formerly Invitae), Labcorp
Classification: Likely benign for DICER1-related tumor predisposition. Last evaluated: 2025-02-02. Review status: criteria provided, single submitter. Criteria: Invitae Variant Classification Sherloc (09022015). Collection method: clinical testing. Allele origin: germline.

Ambry Genetics
Classification: Likely benign for Hereditary cancer-predisposing syndrome. Last evaluated: 2019-07-07. Review status: criteria provided, single submitter. Criteria: Ambry Variant Classification Scheme 2023. Collection method: clinical testing. Allele origin: germline.